The following is an entry in ClinVar:

NM_000138.5(FBN1):c.6994C>T (p.Leu2332Phe)

Gene: FBN1 (fibrillin 1; minus strand). Cytogenetic location: 15q21.1.
Variant type: single nucleotide variant.
Coding change: c.6994C>T on transcript NM_000138.5 (MANE Select); coding-DNA position 6994, C replaced by T.
Protein change: p.Leu2332Phe; replaces leucine 2332 with phenylalanine.
Molecular consequence: missense variant.
Genome position (GRCh38, 1-based): chr15:48,428,349, G>A on the plus strand (C>T on the coding strand, the complement: FBN1 is on the minus strand). VCF-style: chr15-48428349-G-A. GRCh37 (hg19) VCF-style: chr15-48720546-G-A.
Other names: c.6994C>T, p.Leu2332Phe (NM_001406716.1); short protein forms L2332F.
Identifiers: ClinVar variation 2140922 (VCV002140922.6), dbSNP rs747247971, ClinGen allele CA057673.

ClinVar aggregate classification (germline): Conflicting classifications of pathogenicity. Review status: criteria provided, conflicting classifications (1 of 4 stars). 3 submissions from 3 submitters: Uncertain significance (2); Benign (1). Last evaluated 2024-07-10.

Conditions:
Familial thoracic aortic aneurysm and aortic dissection (TAAD). Also called: Thoracic aortic aneurysms and dissections. Identifiers: Orphanet 91387, MedGen C4707243, MONDO:0019625.
Marfan syndrome (MFS). Also called: MARFAN SYNDROME, TYPE I; Marfan syndrome type 1; Marfan's syndrome; Marfan syndrome, classic; FBN1-Related Marfan Syndrome. Identifiers: Orphanet 284963, Orphanet 558, MedGen C0024796, MONDO:0007947, OMIM 154700.

Allele frequency attached by ClinVar (database versions not stated): gnomAD 0.00001; gnomAD exomes below 0.00001; TOPMed below 0.00001; ExAC 0.00001.
gnomAD v4.1: 3 of 1,613,928 alleles (0.00019%); highest among the groups gnomAD compares: African/African-American, 0.0013%; no homozygotes.

Submissions (3):

All of Us Research Program, National Institutes of Health
Classification: Uncertain significance for Marfan syndrome. Last evaluated: 2024-07-10. Review status: criteria provided, single submitter. Criteria: ACMG Guidelines, 2015. Collection method: clinical testing. Allele origin: germline. Inheritance: Autosomal dominant inheritance. Observed: 2 variant alleles, 2 heterozygotes.
Comment: This missense variant replaces leucine with phenylalanine at codon 2332 of the FBN1 protein. Computational prediction tools indicate that this variant has a neutral impact on protein structure and function. To our knowledge, functional studies have not been reported for this variant. This variant has not been reported in individuals affected with FBN1-related disorders in the literature. This variant has been identified in 2/251174 chromosomes in the general population by the Genome Aggregation Database (gnomAD). The available evidence is insufficient to determine the role of this variant in disease conclusively. Therefore, this variant is classified as a Variant of Uncertain Significance.

This study involves interpretation of variants in research participants for the purpose of population health screening. Participant phenotype was not available at the time of variant classification. Additional details can be found in publication PMID: 35346344, PMCID: PMC8962531

Color Diagnostics, LLC DBA Color Health
Classification: Uncertain significance for Familial thoracic aortic aneurysm and aortic dissection. Last evaluated: 2024-03-20. Review status: criteria provided, single submitter. Criteria: ACMG Guidelines, 2015. Collection method: clinical testing. Allele origin: germline.
Comment: This missense variant replaces leucine with phenylalanine at codon 2332 of the FBN1 protein. Computational prediction tools indicate that this variant has a neutral impact on protein structure and function. To our knowledge, functional studies have not been reported for this variant. This variant has not been reported in individuals affected with FBN1-related disorders in the literature. This variant has been identified in 2/251174 chromosomes in the general population by the Genome Aggregation Database (gnomAD). The available evidence is insufficient to determine the role of this variant in disease conclusively. Therefore, this variant is classified as a Variant of Uncertain Significance.

Labcorp Genetics (formerly Invitae), Labcorp
Classification: Benign for Marfan syndrome; Familial thoracic aortic aneurysm and aortic dissection. Last evaluated: 2024-01-21. Review status: criteria provided, single submitter. Criteria: Invitae Variant Classification Sherloc (09022015). Collection method: clinical testing. Allele origin: germline.